The following is an entry in ClinVar:

NM_001193315.2(VIPAS39):c.1307C>T (p.Thr436Met)

Gene: VIPAS39 (VPS33B interacting protein, apical-basolateral polarity regulator, spe-39 homolog; minus strand). Cytogenetic location: 14q24.3.
Variant type: single nucleotide variant.
Coding change: c.1307C>T on transcript NM_001193315.2 (MANE Select); coding-DNA position 1307, C replaced by T.
Protein change: p.Thr436Met; replaces threonine 436 with methionine.
Molecular consequence: missense variant. On other transcripts: non-coding transcript variant (1).
Genome position (GRCh38, 1-based): chr14:77,429,055, G>A on the plus strand (C>T on the coding strand, the complement: VIPAS39 is on the minus strand). VCF-style: chr14-77429055-G-A. GRCh37 (hg19) VCF-style: chr14-77895398-G-A.
Other names: c.1307C>T, p.Thr436Met (NM_001193314.2, NM_001193317.2, NM_001400326.1 and 2 more transcripts); c.1160C>T, p.Thr387Met (NM_001193316.2, NM_001400324.1, NM_001400325.1); c.1274C>T, p.Thr425Met (NM_001400327.1); c.1220C>T, p.Thr407Met (NM_001400330.1, NM_001400331.1, NM_001400332.1); c.1307C>T (NM_001193314.1); c.1214C>T, p.Thr405Met (NM_001400333.1, NM_001400334.1); c.1172C>T, p.Thr391Met (NM_001400336.1); c.1067C>T, p.Thr356Met (NM_001400337.1); and 2 more; short protein forms T341M, T391M, T405M, T387M, T407M, T343M, T425M, T436M.
Identifiers: ClinVar variation 1909077 (VCV001909077.11), dbSNP rs143222977, ClinGen allele CA7287760.
Genomic context (GRCh38, chr14:77,429,055, plus strand): 5'-TGGGGACTCACATCAATGACGACATCATGGCACTTGAACTTAGTGGCTAAGTTCAACTTC[G>A]TGTCCACATCTTCCACCAGATTGACATACTCCTGTAATATCTGTGGGAAGAGGTACTTCC-3'
Protein context (NP_001180244.1, residues 426-446): EYVNLVEDVD[Thr436Met]KLNLATKFKC

ClinVar aggregate classification (germline): Uncertain significance. Review status: criteria provided, multiple submitters, no conflicts (2 of 4 stars). 3 submissions from 3 submitters: Uncertain significance (3). Last evaluated 2025-12-25.

Conditions:
Inborn genetic diseases. Identifiers: MedGen C0950123, MeSH D030342.

Allele frequency attached by ClinVar (database versions not stated): ExAC 0.00006; TOPMed 0.00008; gnomAD exomes 0.00009; gnomAD 0.00011; ESP Exome Variant Server 0.00038.
gnomAD v4.1: 150 of 1,613,830 alleles (0.0093%); highest among the groups gnomAD compares: Middle Eastern, 0.033%; no homozygotes.

Submissions (3):

Labcorp Genetics (formerly Invitae), Labcorp
Classification: Uncertain significance. Last evaluated: 2025-12-25. Review status: criteria provided, single submitter. Criteria: Invitae Variant Classification Sherloc (09022015). Collection method: clinical testing. Allele origin: germline.
Comment: This sequence change replaces threonine, which is neutral and polar, with methionine, which is neutral and non-polar, at codon 436 of the VIPAS39 protein (p.Thr436Met). This variant is present in population databases (rs143222977, gnomAD 0.03%). This variant has not been reported in the literature in individuals affected with VIPAS39-related conditions. ClinVar contains an entry for this variant (Variation ID: 1909077). Invitae Evidence Modeling of protein sequence and biophysical properties (such as structural, functional, and spatial information, amino acid conservation, physicochemical variation, residue mobility, and thermodynamic stability) indicates that this missense variant is not expected to disrupt VIPAS39 protein function with a negative predictive value of 80%. In summary, the available evidence is currently insufficient to determine the role of this variant in disease. Therefore, it has been classified as a Variant of Uncertain Significance.

CeGaT Center for Human Genetics Tuebingen
Classification: Uncertain significance. Last evaluated: 2025-09-01. Review status: criteria provided, single submitter. Criteria: CeGaT Center For Human Genetics Tuebingen Variant Classification Criteria Version 2. Collection method: clinical testing. Allele origin: germline. Affected: yes. Observed: 1 variant allele.
Comment: VIPAS39: PM2, BP4

Ambry Genetics
Classification: Uncertain significance for Inborn genetic diseases. Last evaluated: 2024-03-01. Review status: criteria provided, single submitter. Criteria: Ambry Variant Classification Scheme 2023. Collection method: clinical testing. Allele origin: germline.